The following is an entry in ClinVar:

ClinVar aggregate classification (germline): Uncertain significance. Review status: criteria provided, multiple submitters, no conflicts (2 of 4 stars). 2 submissions from 2 submitters: Uncertain significance (2). Last evaluated 2025-10-02.

Conditions:
Hypertrophic cardiomyopathy. Also called: HYPERTROPHIC MYOCARDIOPATHY. Identifiers: Orphanet 217569, MedGen C0007194, MeSH D002312, MONDO:0005045, HP:0001639.

Allele frequency attached by ClinVar (database versions not stated): gnomAD exomes 0.00001; gnomAD 0.00004; TOPMed 0.00004.
gnomAD v4.1: 18 of 1,611,878 alleles (0.0011%); highest among the groups gnomAD compares: African/African-American, 0.008%; no homozygotes.

Submissions (2):

Ambry Genetics
Classification: Uncertain significance. Last evaluated: 2025-10-02. Review status: criteria provided, single submitter. Criteria: Ambry Variant Classification Scheme 2023. Collection method: clinical testing. Allele origin: germline.

Labcorp Genetics (formerly Invitae), Labcorp
Classification: Uncertain significance for Hypertrophic cardiomyopathy. Last evaluated: 2022-10-22. Review status: criteria provided, single submitter. Criteria: Invitae Variant Classification Sherloc (09022015). Collection method: clinical testing. Allele origin: germline.
Comment: This variant is present in population databases (no rsID available, gnomAD 0.005%). This variant has not been reported in the literature in individuals affected with MYOM1-related conditions. ClinVar contains an entry for this variant (Variation ID: 1039813). Advanced modeling of protein sequence and biophysical properties (such as structural, functional, and spatial information, amino acid conservation, physicochemical variation, residue mobility, and thermodynamic stability) performed at Invitae indicates that this missense variant is not expected to disrupt MYOM1 protein function. In summary, the available evidence is currently insufficient to determine the role of this variant in disease. Therefore, it has been classified as a Variant of Uncertain Significance. This sequence change replaces proline, which is neutral and non-polar, with leucine, which is neutral and non-polar, at codon 1061 of the MYOM1 protein (p.Pro1061Leu).

NM_003803.4(MYOM1):c.3182C>T (p.Pro1061Leu)

Gene: MYOM1 (myomesin 1; minus strand). Cytogenetic location: 18p11.31.
Variant type: single nucleotide variant.
Coding change: c.3182C>T on transcript NM_003803.4 (MANE Select); coding-DNA position 3182, C replaced by T.
Protein change: p.Pro1061Leu; replaces proline 1061 with leucine.
Molecular consequence: missense variant.
Genome position (GRCh38, 1-based): chr18:3,116,452, G>A on the plus strand (C>T on the coding strand, the complement: MYOM1 is on the minus strand). VCF-style: chr18-3116452-G-A. GRCh37 (hg19) VCF-style: chr18-3116450-G-A.
Other names: c.3182C>T (NM_003803.3); c.2894C>T, p.Pro965Leu (NM_019856.2); short protein forms P965L, P1061L.
Identifiers: ClinVar variation 1039813 (VCV001039813.10), dbSNP rs1028776972, ClinGen allele CA295504698.